The following is an entry in ClinVar:

NM_198241.3(EIF4G1):c.593C>G (p.Ser198Cys)

Gene: EIF4G1 (eukaryotic translation initiation factor 4 gamma 1; plus strand). Cytogenetic location: 3q27.1.
Variant type: single nucleotide variant.
Coding change: c.593C>G on transcript NM_198241.3 (MANE Select); coding-DNA position 593, C replaced by G.
Protein change: p.Ser198Cys; replaces serine 198 with cysteine.
Molecular consequence: missense variant.
Genome position (GRCh38, 1-based): chr3:184,320,685, C>G. VCF-style: chr3-184320685-C-G. GRCh37 (hg19) VCF-style: chr3-184038473-C-G.
Other names: NC_000003.11:g.184038473C>G; p.Ser198Cys; c.614C>G, p.Ser205Cys (NM_001194946.2, NM_001194947.2); c.473C>G, p.Ser158Cys (NM_001291157.2); c.5C>G, p.Ser2Cys (NM_004953.5); c.593C>G, p.Ser198Cys (NM_182917.4); c.101C>G, p.Ser34Cys (NM_198242.3); c.332C>G, p.Ser111Cys (NM_198244.3); short protein forms S111C, S34C, S158C, S205C, S198C, S2C.
Identifiers: ClinVar variation 4524648 (VCV004524648.2).

ClinVar aggregate classification (germline): Uncertain significance (1 of 4 stars; one submission).

Submissions (2):

Mayo Clinic Laboratories, Mayo Clinic
Classification: Uncertain significance. Last evaluated: 2025-03-18. Review status: criteria provided, single submitter. Criteria: ACMG Guidelines, 2015. Collection method: clinical testing. Allele origin: germline. Observed: 1 variant allele.
Comment: PM2_supporting

Dr. Peter K. Rogan Lab, Western University
No classification provided (evidence only). Condition: Ovarian serous cystadenocarcinoma. Review status: no classification provided. Collection method: in vitro. Allele origin: not applicable. Functional consequence: retained intron. Not counted in ClinVar's aggregate classification.